The following is an entry in ClinVar:

NM_001377.3(DYNC2H1):c.517A>T (p.Ser173Cys)

Gene: DYNC2H1 (dynein cytoplasmic 2 heavy chain 1; plus strand). Cytogenetic location: 11q22.3.
Variant type: single nucleotide variant.
Coding change: c.517A>T on transcript NM_001377.3 (MANE Select); coding-DNA position 517, A replaced by T.
Protein change: p.Ser173Cys; replaces serine 173 with cysteine.
Molecular consequence: missense variant.
Genome position (GRCh38, 1-based): chr11:103,115,191, A>T. VCF-style: chr11-103115191-A-T. GRCh37 (hg19) VCF-style: chr11-102985920-A-T.
Other names: c.517A>T, p.Ser173Cys (NM_001080463.2); short protein forms S173C.
Identifiers: ClinVar variation 2113096 (VCV002113096.4), dbSNP rs2496779463, ClinGen allele CA382244548.
Genomic context (GRCh38, chr11:103,115,191, plus strand): 5'-TTCTCTGATATTCTATGCCATTTTTTTCCCCTCTTGACTTTTATAGGTATCCTTACACCA[A>T]GCGATGAGTTCCAGTTTTGGATAGAACAAGCTCACCGTGGAAATAAACAGATTAGTAAAG-3'
Protein context (NP_001368.2, residues 163-183): EDDTRGILTP[Ser173Cys]DEFQFWIEQA

ClinVar aggregate classification (germline): Uncertain significance (1 of 4 stars; one submission).

Conditions:
Jeune thoracic dystrophy. Also called: Short-rib thoracic dysplasia; Jeune syndrome; Infantile thoracic dystrophy; Thoracic pelvic phalangeal dystrophy; Jeune's syndrome; Chondroectodermal dysplasia-like syndrome. Identifiers: Orphanet 474, MedGen C0265275, MONDO:0018770.

Submission:

Labcorp Genetics (formerly Invitae), Labcorp
Classification: Uncertain significance for Jeune thoracic dystrophy. Last evaluated: 2022-03-16. Review status: criteria provided, single submitter. Criteria: Invitae Variant Classification Sherloc (09022015). Collection method: clinical testing. Allele origin: germline.
Comment: Advanced modeling of protein sequence and biophysical properties (such as structural, functional, and spatial information, amino acid conservation, physicochemical variation, residue mobility, and thermodynamic stability) performed at Invitae indicates that this missense variant is not expected to disrupt DYNC2H1 protein function. In summary, the available evidence is currently insufficient to determine the role of this variant in disease. Therefore, it has been classified as a Variant of Uncertain Significance. This variant has not been reported in the literature in individuals affected with DYNC2H1-related conditions. This variant is not present in population databases (gnomAD no frequency). This sequence change replaces serine, which is neutral and polar, with cysteine, which is neutral and slightly polar, at codon 173 of the DYNC2H1 protein (p.Ser173Cys).